The following is an entry in ClinVar:

ClinVar aggregate classification (germline): Uncertain significance. Review status: criteria provided, single submitter (1 of 4 stars). 2 submissions from 2 submitters: Uncertain significance (1). 1 of the submissions does not count toward it. Last evaluated 2021-08-27.

Conditions:
MHC class II deficiency. Also called: Bare lymphocyte syndrome 2; BLS, TYPE II. Identifiers: Orphanet 572, MedGen C5447452, MONDO:0008855.

Allele frequency attached by ClinVar (database versions not stated): gnomAD 0.00001; gnomAD exomes 0.00002 and 0.00004; TOPMed 0.00002; 1000 Genomes Project 30x 0.00031; ExAC 0.00005; 1000 Genomes Project 0.00020.
gnomAD v4.1: 26 of 1,614,108 alleles (0.0016%); highest among the groups gnomAD compares: East Asian, 0.0089%; no homozygotes.

Submissions (2):

Labcorp Genetics (formerly Invitae), Labcorp
Classification: Uncertain significance for MHC class II deficiency. Last evaluated: 2021-08-27. Review status: criteria provided, single submitter. Criteria: Invitae Variant Classification Sherloc (09022015). Collection method: clinical testing. Allele origin: germline.
Comment: This sequence change replaces arginine with glutamine at codon 978 of the CIITA protein (p.Arg978Gln). The arginine residue is weakly conserved and there is a small physicochemical difference between arginine and glutamine. This variant is present in population databases (rs546498273, ExAC 0.02%). This variant has not been reported in the literature in individuals affected with CIITA-related conditions. Algorithms developed to predict the effect of missense changes on protein structure and function (SIFT, PolyPhen-2, Align-GVGD) all suggest that this variant is likely to be tolerated. Algorithms developed to predict the effect of sequence changes on RNA splicing suggest that this variant may create or strengthen a splice site. In summary, the available evidence is currently insufficient to determine the role of this variant in disease. Therefore, it has been classified as a Variant of Uncertain Significance.

Natera, Inc.
Classification: Uncertain significance for Bare lymphocyte syndrome type II. Last evaluated: 2020-04-24. Review status: no assertion criteria provided. Collection method: clinical testing. Allele origin: germline. Not counted in ClinVar's aggregate classification.

NM_000246.4(CIITA):c.2933G>A (p.Arg978Gln)

Gene: CIITA (class II major histocompatibility complex transactivator; plus strand). Cytogenetic location: 16p13.13.
Variant type: single nucleotide variant.
Coding change: c.2933G>A on transcript NM_000246.4 (MANE Select); coding-DNA position 2933, G replaced by A.
Protein change: p.Arg978Gln; replaces arginine 978 with glutamine.
Molecular consequence: missense variant. On other transcripts: non-coding transcript variant (1).
Genome position (GRCh38, 1-based): chr16:10,915,614, G>A. VCF-style: chr16-10915614-G-A. GRCh37 (hg19) VCF-style: chr16-11009471-G-A.
Other names: c.2936G>A, p.Arg979Gln (NM_001286402.1, NM_001379332.1); c.1181G>A, p.Arg394Gln (NM_001286403.2); c.2789G>A, p.Arg930Gln (NM_001379330.1); c.2786G>A, p.Arg929Gln (NM_001379331.1); c.2933G>A, p.Arg978Gln (NM_001379333.1); c.2864G>A, p.Arg955Gln (NM_001379334.1); short protein forms R930Q, R979Q, R929Q, R394Q, R955Q, R978Q.
Identifiers: ClinVar variation 939397 (VCV000939397.5), dbSNP rs546498273, ClinGen allele CA7900584.
Genomic context (GRCh38, chr16:10,915,614, plus strand): 5'-GCTCTTTGCCTCCTAGGCTGGGCCCTGTCTCAGGCCCCCAGGCTTTCCCCAAACTGGTGC[G>A]GATCCTCACGGCCTTTTCCTCCCTGCAGCATCTGGAGTGAGTATAGACTCTGGGACCCCT-3'
Protein context (NP_000237.2, residues 968-988): SGPQAFPKLV[Arg978Gln]ILTAFSSLQH